The following is an entry in ClinVar:

NM_001174150.2(ARL13B):c.202A>C (p.Thr68Pro)

Gene: ARL13B (ARF like GTPase 13B; plus strand). Cytogenetic location: 3q11.2.
Variant type: single nucleotide variant.
Coding change: c.202A>C on transcript NM_001174150.2 (MANE Select); coding-DNA position 202, A replaced by C.
Protein change: p.Thr68Pro; replaces threonine 68 with proline.
Molecular consequence: missense variant. On other transcripts: 5 prime UTR variant (1), intron variant (1).
Genome position (GRCh38, 1-based): chr3:94,003,730, A>C. VCF-style: chr3-94003730-A-C. GRCh37 (hg19) VCF-style: chr3-93722574-A-C.
Other names: c.-108A>C (NM_001174151.2); c.157A>C, p.Thr53Pro (NM_001321328.2); c.202A>C, p.Thr68Pro (NM_182896.3); c.59+23248A>C (NM_144996.4); short protein forms T68P, T53P.
Identifiers: ClinVar variation 1037637 (VCV001037637.5), dbSNP rs759625669, ClinGen allele CA2503810.

ClinVar aggregate classification (germline): Uncertain significance (1 of 4 stars; one submission).

Conditions:
Joubert syndrome 8 (JBTS8). Identifiers: Orphanet 475, MedGen C2676771, MONDO:0012855, OMIM 612291.

Allele frequency attached by ClinVar (database versions not stated): gnomAD exomes 0.00001; ExAC 0.00002; TOPMed 0.00002.
gnomAD v4.1: 6 of 1,613,596 alleles (0.00037%); highest among the groups gnomAD compares: African/African-American, 0.008%; no homozygotes.

Submission:

Labcorp Genetics (formerly Invitae), Labcorp
Classification: Uncertain significance for Joubert syndrome 8. Last evaluated: 2022-06-01. Review status: criteria provided, single submitter. Criteria: Invitae Variant Classification Sherloc (09022015). Collection method: clinical testing. Allele origin: germline.
Comment: This sequence change replaces threonine, which is neutral and polar, with proline, which is neutral and non-polar, at codon 68 of the ARL13B protein (p.Thr68Pro). This variant is present in population databases (rs759625669, gnomAD 0.01%). This variant has not been reported in the literature in individuals affected with ARL13B-related conditions. ClinVar contains an entry for this variant (Variation ID: 1037637). Algorithms developed to predict the effect of missense changes on protein structure and function are either unavailable or do not agree on the potential impact of this missense change (SIFT: "Deleterious"; PolyPhen-2: "Probably Damaging"; Align-GVGD: "Class C0"). In summary, the available evidence is currently insufficient to determine the role of this variant in disease. Therefore, it has been classified as a Variant of Uncertain Significance.